The following is an entry in ClinVar:

NM_001174147.2(LMX1B):c.246del (p.Gln82fs)

Gene: LMX1B (LIM homeobox transcription factor 1 beta; plus strand). Cytogenetic location: 9q33.3.
Variant type: Deletion.
Coding change: c.246del on transcript NM_001174147.2 (MANE Select); coding-DNA position 246, one base deleted (G; older notation c.246delG).
Protein change: p.Gln82fs; shifts the reading frame from glutamine 82.
Molecular consequence: frameshift variant.
Genome position (GRCh38, 1-based): chr9:126,615,489, G deleted. VCF-style (leftmost placement, unchanged base first): chr9-126615488-AG-A. GRCh37 (hg19) VCF-style: chr9-129377767-AG-A.
Other names: c.246del, p.Gln82fs (NM_001174146.2, NM_002316.4); short protein forms Q82fs.
Identifiers: ClinVar variation 3652791 (VCV003652791.2).

ClinVar aggregate classification (germline): Pathogenic (1 of 4 stars; one submission).

Submission:

Labcorp Genetics (formerly Invitae), Labcorp
Classification: Pathogenic. Last evaluated: 2024-05-09. Review status: criteria provided, single submitter. Criteria: Invitae Variant Classification Sherloc (09022015). Collection method: clinical testing. Allele origin: germline.
Comment: This sequence change creates a premature translational stop signal (p.Gln82Hisfs*47) in the LMX1B gene. It is expected to result in an absent or disrupted protein product. Loss-of-function variants in LMX1B are known to be pathogenic (PMID: 9590287, 15498463). This variant is not present in population databases (gnomAD no frequency). This variant has not been reported in the literature in individuals affected with LMX1B-related conditions. For these reasons, this variant has been classified as Pathogenic.

Literature cited by the submitters: PubMed 9590287; PubMed 15498463.